The following is an entry in ClinVar:

ClinVar aggregate classification (germline): Benign (1 of 4 stars; one submission).

Conditions:
Tay-Sachs disease, variant AB. Also called: GM2 Activator Deficiency; Gm2-gangliosidosis, ab variant. Identifiers: Orphanet 309246, MedGen C0268275, MONDO:0010099, OMIM 272750.

Allele frequency attached by ClinVar (database versions not stated): gnomAD exomes 0.26347; gnomAD 0.36881 and 0.37062; TOPMed 0.37828; 1000 Genomes Project 30x 0.46221; 1000 Genomes Project 0.46406.
gnomAD v4.1: 87,335 of 269,118 alleles (32%); highest among the groups gnomAD compares: East Asian, 66%; 16,694 homozygotes.

Submission:

Illumina Laboratory Services, Illumina
Classification: Benign for Tay-Sachs disease, variant AB. Last evaluated: 2018-01-13. Review status: criteria provided, single submitter. Criteria: ICSL Variant Classification Criteria 13 December 2019. Collection method: clinical testing. Allele origin: germline.
Comment: This variant was observed in the ICSL laboratory as part of a predisposition screen in an ostensibly healthy population. It had not been previously curated by ICSL or reported in the Human Gene Mutation Database (HGMD: prior to June 1st, 2018), and was therefore a candidate for classification through an automated scoring system. Utilizing variant allele frequency, disease prevalence and penetrance estimates, and inheritance mode, an automated score was calculated to assess if this variant is too frequent to cause the disease. Based on the score and internal cut-off values, a variant classified as benign is not then subjected to further curation. The score for this variant resulted in a classification of benign for this disease.

NM_000405.5(GM2A):c.*2141C>T

Gene: GM2A (ganglioside GM2 activator; plus strand). Cytogenetic location: 5q33.1.
Variant type: single nucleotide variant.
Coding change: c.*2141C>T on transcript NM_000405.5 (MANE Select); 2141 bases downstream of the stop codon, C replaced by T.
Molecular consequence: 3 prime UTR variant.
Genome position (GRCh38, 1-based): chr5:151,269,592, C>T. VCF-style: chr5-151269592-C-T. GRCh37 (hg19) VCF-style: chr5-150649153-C-T.
Other names: c.*1952C>T (NM_001167607.3).
Identifiers: ClinVar variation 352291 (VCV000352291.5), dbSNP rs153449, ClinGen allele CA10620990.